The following is an entry in ClinVar:

ClinVar aggregate classification (germline): Uncertain significance (1 of 4 stars; one submission).

Conditions:
Aicardi-Goutieres syndrome 6 (AGS6). Identifiers: Orphanet 51, MedGen C3539013, MONDO:0014007, OMIM 615010.
Symmetrical dyschromatosis of extremities (DSH). Also called: DYSCHROMATOSIS SYMMETRICA HEREDITARIA 1; RETICULATE ACROPIGMENTATION OF DOHI; SYMMETRIC DYSCHROMATOSIS OF THE EXTREMITIES; Dyschromatosis symmetrica hereditaria. Identifiers: Orphanet 41, MedGen C0406775, MONDO:0007483, OMIM 127400.

Submission:

Labcorp Genetics (formerly Invitae), Labcorp
Classification: Uncertain significance for Aicardi-Goutieres syndrome 6; Symmetrical dyschromatosis of extremities. Last evaluated: 2025-11-03. Review status: criteria provided, single submitter. Criteria: Invitae Variant Classification Sherloc (09022015). Collection method: clinical testing. Allele origin: germline.
Comment: This sequence change replaces valine, which is neutral and non-polar, with aspartic acid, which is acidic and polar, at codon 175 of the ADAR protein (p.Val175Asp). This variant is not present in population databases (gnomAD no frequency). This missense change has been observed in individual(s) with leukodystrophy (PMID: 31069529). An algorithm developed to predict the effect of missense changes on protein structure and function (PolyPhen-2) suggests that this variant is likely to be disruptive. In summary, the available evidence is currently insufficient to determine the role of this variant in disease. Therefore, it has been classified as a Variant of Uncertain Significance.

Literature cited by the submitters: PubMed 31069529.

NM_001111.5(ADAR):c.524T>A (p.Val175Asp)

Gene: ADAR (adenosine deaminase RNA specific; minus strand). Cytogenetic location: 1q21.3.
Variant type: single nucleotide variant.
Coding change: c.524T>A on transcript NM_001111.5 (MANE Select); coding-DNA position 524, T replaced by A.
Protein change: p.Val175Asp; replaces valine 175 with aspartic acid.
Molecular consequence: missense variant. On other transcripts: 5 prime UTR variant (6).
Genome position (GRCh38, 1-based): chr1:154,602,118, A>T on the plus strand (T>A on the coding strand, the complement: ADAR is on the minus strand). VCF-style: chr1-154602118-A-T. GRCh37 (hg19) VCF-style: chr1-154574594-A-T.
Other names: c.-362T>A (NM_001025107.3, NM_001193495.2, NM_001365046.1 and 3 more transcripts); c.551T>A, p.Val184Asp (NM_001365045.1); c.524T>A, p.Val175Asp (NM_015840.4, NM_015841.4); short protein forms V175D, V184D.
Identifiers: ClinVar variation 4788504 (VCV004788504.1).